The following is an entry in ClinVar:

ClinVar aggregate classification (germline): Uncertain significance (1 of 4 stars; one submission).

Submission:

Labcorp Genetics (formerly Invitae), Labcorp
Classification: Uncertain significance. Last evaluated: 2022-06-22. Review status: criteria provided, single submitter. Criteria: Invitae Variant Classification Sherloc (09022015). Collection method: clinical testing. Allele origin: germline.
Comment: Algorithms developed to predict the effect of sequence changes on RNA splicing suggest that this variant may disrupt the consensus splice site. This sequence change replaces glycine, which is neutral and non-polar, with arginine, which is basic and polar, at codon 46 of the MPLKIP protein (p.Gly46Arg). This variant is not present in population databases (gnomAD no frequency). This variant has not been reported in the literature in individuals affected with MPLKIP-related conditions. Algorithms developed to predict the effect of missense changes on protein structure and function are either unavailable or do not agree on the potential impact of this missense change (SIFT: "Deleterious"; PolyPhen-2: "Not Available"; Align-GVGD: "Class C25"). In summary, the available evidence is currently insufficient to determine the role of this variant in disease. Therefore, it has been classified as a Variant of Uncertain Significance.

NM_138701.4(MPLKIP):c.136G>C (p.Gly46Arg)

Gene: MPLKIP (M-phase specific PLK1 interacting protein; minus strand). Cytogenetic location: 7p14.1.
Variant type: single nucleotide variant.
Coding change: c.136G>C on transcript NM_138701.4 (MANE Select); coding-DNA position 136, G replaced by C.
Protein change: p.Gly46Arg; replaces glycine 46 with arginine.
Molecular consequence: missense variant.
Genome position (GRCh38, 1-based): chr7:40,134,432, C>G on the plus strand (G>C on the coding strand, the complement: MPLKIP is on the minus strand). VCF-style: chr7-40134432-C-G. GRCh37 (hg19) VCF-style: chr7-40174031-C-G.
Other names: short protein forms G46R.
Identifiers: ClinVar variation 1940818 (VCV001940818.5), dbSNP rs751554073, ClinGen allele CA367308554.
Genomic context (GRCh38, chr7:40,134,432, plus strand): 5'-AGTGACTGCTCCCGTACGGCCTAGACCGGGGCCCGTACGGCGGCGTGTGGTGCGGACTCC[C>G]GTACCCGTCTCGAGGGGAGGGCGGCCGTGGTCCGCCCCCGCCCGGGGTTCCCCGGAAGCT-3'
Protein context (NP_619646.1, residues 36-56): PRPPSPRDGY[Gly46Arg]SPHHTPPYGP